The following is an entry in ClinVar:

NM_001370259.2(MEN1):c.275G>A (p.Arg92His)

Gene: MEN1 (menin 1; minus strand). Cytogenetic location: 11q13.1.
Variant type: single nucleotide variant.
Coding change: c.275G>A on transcript NM_001370259.2 (MANE Select); coding-DNA position 275, G replaced by A.
Protein change: p.Arg92His; replaces arginine 92 with histidine.
Molecular consequence: missense variant.
Genome position (GRCh38, 1-based): chr11:64,809,835, C>T on the plus strand (G>A on the coding strand, the complement: MEN1 is on the minus strand). VCF-style: chr11-64809835-C-T. GRCh37 (hg19) VCF-style: chr11-64577307-C-T.
Other names: c.275G>A, p.Arg92His (NM_000244.4, NM_001370251.2, NM_001370260.2 and 9 more transcripts); short protein forms R92H.
Identifiers: ClinVar variation 943166 (VCV000943166.14), dbSNP rs375628323, ClinGen allele CA061052.

ClinVar aggregate classification (germline): Uncertain significance. Review status: criteria provided, multiple submitters, no conflicts (2 of 4 stars). 2 submissions from 2 submitters: Uncertain significance (2). Last evaluated 2026-07-08.

Conditions:
Hereditary cancer-predisposing syndrome. Also called: Neoplastic Syndromes, Hereditary; Hereditary Cancer Syndrome; Tumor predisposition; Hereditary neoplastic syndrome. Identifiers: Orphanet 140162, MedGen C0027672, MeSH D009386, MONDO:0015356.
Multiple endocrine neoplasia, type 1 (MEN1). Also called: MEN I; WERMER SYNDROME; Endocrine adenomatosis multiple; MEN 1; MEA I. Identifiers: Orphanet 652, MedGen C0025267, MeSH D018761, MONDO:0007540, OMIM 131100.

Allele frequency attached by ClinVar (database versions not stated): gnomAD exomes 0.00001; ESP Exome Variant Server 0.00008; TOPMed below 0.00001; ExAC 0.00001.
gnomAD v4.1: 3 of 1,611,684 alleles (0.00019%); highest among the groups gnomAD compares: Non-Finnish European, 0.00017%; no homozygotes.

Submissions (2):

Ambry Genetics
Classification: Uncertain significance for Hereditary cancer-predisposing syndrome. Last evaluated: 2026-07-08. Review status: criteria provided, single submitter. Criteria: Ambry Variant Classification Scheme 2023. Collection method: clinical testing. Allele origin: germline.
Comment: The p.R92H variant (also known as c.275G>A), located in coding exon 1 of the MEN1 gene, results from a G to A substitution at nucleotide position 275. The arginine at codon 92 is replaced by histidine, an amino acid with highly similar properties. This amino acid position is highly conserved in available vertebrate species. In addition, this alteration is predicted to be deleterious by in silico analysis. Based on the available evidence, the clinical significance of this variant remains unclear.

Labcorp Genetics (formerly Invitae), Labcorp
Classification: Uncertain significance for Multiple endocrine neoplasia, type 1. Last evaluated: 2023-06-09. Review status: criteria provided, single submitter. Criteria: Invitae Variant Classification Sherloc (09022015). Collection method: clinical testing. Allele origin: germline.
Comment: In summary, the available evidence is currently insufficient to determine the role of this variant in disease. Therefore, it has been classified as a Variant of Uncertain Significance. Advanced modeling of protein sequence and biophysical properties (such as structural, functional, and spatial information, amino acid conservation, physicochemical variation, residue mobility, and thermodynamic stability) performed at Invitae indicates that this missense variant is expected to disrupt MEN1 protein function. ClinVar contains an entry for this variant (Variation ID: 943166). This variant has not been reported in the literature in individuals affected with MEN1-related conditions. This variant is present in population databases (rs375628323, gnomAD 0.01%). This sequence change replaces arginine, which is basic and polar, with histidine, which is basic and polar, at codon 92 of the MEN1 protein (p.Arg92His).